The following is an entry in ClinVar:

ClinVar aggregate classification (germline): Uncertain significance (1 of 4 stars; one submission).

Conditions:
Neuropathy, hereditary sensory and autonomic, type 2A (HSAN2A). Also called: ACROOSTEOLYSIS, GIACCAI TYPE; ACROOSTEOLYSIS, NEUROGENIC; WNK1-Related HSAN2 (HSAN2A); MORVAN DISEASE; NEUROPATHY, CONGENITAL SENSORY; NEUROPATHY, HEREDITARY SENSORY RADICULAR, AUTOSOMAL RECESSIVE. Identifiers: Orphanet 970, MedGen C2752089, MONDO:0024309, OMIM 201300.
Generalized epilepsy with febrile seizures plus, type 7 (GEFSP7). Also called: GEFS+, TYPE 7. Identifiers: Orphanet 36387, MedGen C2751778, MONDO:0013470, OMIM 613863.

gnomAD v4.1: 1 of 1,613,216 alleles (0.000062%); highest among the groups gnomAD compares: South Asian, 0.0011%; no homozygotes.

Submission:

Labcorp Genetics (formerly Invitae), Labcorp
Classification: Uncertain significance for Neuropathy, hereditary sensory and autonomic, type 2A; Generalized epilepsy with febrile seizures plus, type 7. Last evaluated: 2024-03-05. Review status: criteria provided, single submitter. Criteria: Invitae Variant Classification Sherloc (09022015). Collection method: clinical testing. Allele origin: germline.
Comment: This sequence change replaces proline, which is neutral and non-polar, with threonine, which is neutral and polar, at codon 35 of the SCN9A protein (p.Pro35Thr). This variant is present in population databases (rs762892329, gnomAD 0.003%). This variant has not been reported in the literature in individuals affected with SCN9A-related conditions. Advanced modeling of protein sequence and biophysical properties (such as structural, functional, and spatial information, amino acid conservation, physicochemical variation, residue mobility, and thermodynamic stability) has been performed at Invitae for this missense variant, however the output from this modeling did not meet the statistical confidence thresholds required to predict the impact of this variant on SCN9A protein function. In summary, the available evidence is currently insufficient to determine the role of this variant in disease. Therefore, it has been classified as a Variant of Uncertain Significance.

NM_001365536.1(SCN9A):c.103C>A (p.Pro35Thr)

Gene: SCN9A (sodium voltage-gated channel alpha subunit 9; minus strand). Cytogenetic location: 2q24.3.
Variant type: single nucleotide variant.
Coding change: c.103C>A on transcript NM_001365536.1 (MANE Select); coding-DNA position 103, C replaced by A.
Protein change: p.Pro35Thr; replaces proline 35 with threonine.
Molecular consequence: missense variant.
Genome position (GRCh38, 1-based): chr2:166,311,654, G>T on the plus strand (C>A on the coding strand, the complement: SCN9A is on the minus strand). VCF-style: chr2-166311654-G-T. GRCh37 (hg19) VCF-style: chr2-167168164-G-T.
Other names: c.103C>A, p.Pro35Thr (NM_002977.4); short protein forms P35T.
Identifiers: ClinVar variation 3753680 (VCV003753680.2).